The following is an entry in ClinVar:

GRCh37/hg19 1q21.1-21.2(chr1:146112080-147819815)x3

Genes: BCL9 (BCL9 transcription coactivator; plus strand), ACP6 (acid phosphatase 6, lysophosphatidic; minus strand), CHD1L (chromodomain helicase DNA binding protein 1 like; plus strand), FMO5 (flavin containing dimethylaniline monoxygenase 5; minus strand), GJA5 (gap junction protein alpha 5; minus strand) and 4 more. Cytogenetic location: 1q21.1-21.2.
Variant type: copy number gain.
Change: copy number 3 (three copies instead of two) of chr1:146,112,080-147,819,815 (1.71 Mb, GRCh37 coordinates, 1-based), cytogenetic band 1q21.1-21.2.
Identifiers: ClinVar variation 980944 (VCV000980944.2).

ClinVar aggregate classification (germline): Pathogenic (1 of 4 stars; one submission).

Submission:

Quest Diagnostics Nichols Institute San Juan Capistrano
Classification: Pathogenic. Last evaluated: 2023-04-12. Review status: criteria provided, single submitter. Criteria: ACMG/ClinGen CNV Guidelines, 2019. Collection method: clinical testing. Allele origin: unknown.
Comment: This copy number gain involves multiple genes, and is associated with the 1q21.1 duplication syndrome (OMIM 612475). De novo and inherited duplications of this locus have been associated with a highly variable phenotype (Bernier 2016; Buse 2017). Inheritance from a normal or mildly affected parent has been reported, suggesting incomplete penetrance and variable expressivity. See GeneReviews for additional information and references: Go to: Genetically Related (Allelic) Disorders. References: Bernier et al. Genet Med. 2016 Apr;18(4):341-9. PMID: 26066539; Buse et al. Ital J Pediatr. 2017 Jul 19;43(1):61. PMID: 28724436